The following is an entry in ClinVar:

NM_053025.4(MYLK):c.2740G>A (p.Asp914Asn)

Gene: MYLK (myosin light chain kinase; minus strand). Cytogenetic location: 3q21.1.
Variant type: single nucleotide variant.
Coding change: c.2740G>A on transcript NM_053025.4 (MANE Select); coding-DNA position 2740, G replaced by A.
Protein change: p.Asp914Asn; replaces aspartic acid 914 with asparagine.
Molecular consequence: missense variant.
Genome position (GRCh38, 1-based): chr3:123,700,728, C>T on the plus strand (G>A on the coding strand, the complement: MYLK is on the minus strand). VCF-style: chr3-123700728-C-T. GRCh37 (hg19) VCF-style: chr3-123419575-C-T.
Other names: p.Asp914Asn; c.2212G>A, p.Asp738Asn (NM_001321309.2); c.2533G>A, p.Asp845Asn (NM_053026.4, NM_053028.4); c.2740G>A, p.Asp914Asn (NM_053027.4); short protein forms D914N, D738N, D845N.
Identifiers: ClinVar variation 471715 (VCV000471715.24), dbSNP rs561148360, ClinGen allele CA068955.

ClinVar aggregate classification (germline): Uncertain significance. Review status: criteria provided, multiple submitters, no conflicts (2 of 4 stars). 5 submissions from 5 submitters: Uncertain significance (5). Last evaluated 2025-08-05.

Conditions:
Familial thoracic aortic aneurysm and aortic dissection (TAAD). Also called: Thoracic aortic aneurysms and dissections. Identifiers: Orphanet 91387, MedGen C4707243, MONDO:0019625.
Aortic aneurysm, familial thoracic 7 (AAT7). Also called: AORTIC DISSECTION, FAMILIAL, WITH OR WITHOUT AORTIC ANEURYSM. Identifiers: MedGen C3151077, MONDO:0013418, OMIM 613780.

Allele frequency attached by ClinVar (database versions not stated): gnomAD exomes below 0.00001; TOPMed below 0.00001; ExAC 0.00001; 1000 Genomes Project 0.00020; 1000 Genomes Project 30x 0.00031.
gnomAD v4.1: 24 of 1,614,158 alleles (0.0015%); highest among the groups gnomAD compares: South Asian, 0.0044%; no homozygotes.

Submissions (5):

Labcorp Genetics (formerly Invitae), Labcorp
Classification: Uncertain significance for Aortic aneurysm, familial thoracic 7. Last evaluated: 2025-08-05. Review status: criteria provided, single submitter. Criteria: Invitae Variant Classification Sherloc (09022015). Collection method: clinical testing. Allele origin: germline.
Comment: This sequence change replaces aspartic acid, which is acidic and polar, with asparagine, which is neutral and polar, at codon 914 of the MYLK protein (p.Asp914Asn). This variant is present in population databases (rs561148360, gnomAD 0.003%). This variant has not been reported in the literature in individuals affected with MYLK-related conditions. ClinVar contains an entry for this variant (Variation ID: 471715). Invitae Evidence Modeling of protein sequence and biophysical properties (such as structural, functional, and spatial information, amino acid conservation, physicochemical variation, residue mobility, and thermodynamic stability) indicates that this missense variant is not expected to disrupt MYLK protein function with a negative predictive value of 80%. In summary, the available evidence is currently insufficient to determine the role of this variant in disease. Therefore, it has been classified as a Variant of Uncertain Significance.

Ambry Genetics
Classification: Uncertain significance for Familial thoracic aortic aneurysm and aortic dissection. Last evaluated: 2025-06-10. Review status: criteria provided, single submitter. Criteria: Ambry Variant Classification Scheme 2023. Collection method: clinical testing. Allele origin: germline.
Comment: The p.D914N variant (also known as c.2740G>A), located in coding exon 15 of the MYLK gene, results from a G to A substitution at nucleotide position 2740. The aspartic acid at codon 914 is replaced by asparagine, an amino acid with highly similar properties. This amino acid position is conserved. In addition, this alteration is predicted to be tolerated by in silico analysis. Since supporting evidence is limited at this time, the clinical significance of this alteration remains unclear.

Mayo Clinic Laboratories, Mayo Clinic
Classification: Uncertain significance. Last evaluated: 2025-03-27. Review status: criteria provided, single submitter. Criteria: ACMG Guidelines, 2015. Collection method: clinical testing. Allele origin: germline. Observed: 1 variant allele.
Comment: BP4_moderate

ARUP Laboratories, Molecular Genetics and Genomics, ARUP Laboratories
Classification: Uncertain significance for Aortic aneurysm, familial thoracic 7. Last evaluated: 2018-07-05. Review status: criteria provided, single submitter. Criteria: ARUP Molecular Germline Variant Investigation Process. Collection method: clinical testing. Allele origin: germline.
Comment: The MYLK c.2740G>A; p.Asp914Asn variant (rs561148360), to our knowledge, is not reported in the medical literature but is reported as uncertain significance in ClinVar (Variation ID: 471715). This variant is [also] absent from general population databases (1000 Genomes Project, Exome Variant Server, and 1 out of 246266 alleles in Genome Aggregation Database), indicating it is not a common polymorphism. The aspartic acid at codon 914 is weakly conserved, and computational analyses (SIFT, PolyPhen-2) predict that this variant is tolerated. Due to limited information, the clinical significance of the p.Asp914Asn variant is uncertain at this time.

CHEO Genetics Diagnostic Laboratory, Children's Hospital of Eastern Ontario
Classification: Uncertain significance for Familial thoracic aortic aneurysm and aortic dissection. Last evaluated: 2016-07-25. Review status: criteria provided, single submitter. Criteria: ACMG Guidelines, 2015. Collection method: clinical testing. Allele origin: germline. Study: Canadian Open Genetics Repository.